The following is an entry in ClinVar:

NM_006214.4(PHYH):c.511del (p.Arg171fs)

Gene: PHYH (phytanoyl-CoA 2-hydroxylase; minus strand). Cytogenetic location: 10p13.
Variant type: Deletion.
Coding change: c.511del on transcript NM_006214.4 (MANE Select); coding-DNA position 511, one base deleted (C; older notation c.511delC).
Protein change: p.Arg171fs; shifts the reading frame from arginine 171.
Molecular consequence: frameshift variant. On other transcripts: intron variant (1).
Genome position (GRCh38, 1-based): chr10:13,288,527, G deleted on the plus strand (C on the coding strand, the reverse complement: PHYH is on the minus strand); the first of 3 consecutive G bases (chr10:13,288,527-13,288,529); deleting any one gives the same sequence. VCF-style (leftmost placement, unchanged base first): chr10-13288526-CG-C. GRCh37 (hg19) VCF-style: chr10-13330526-CG-C.
Other names: c.211del, p.Arg71fs (NM_001037537.2, NM_001323080.2); c.517del, p.Arg173fs (NM_001323082.2); c.217del, p.Arg73fs (NM_001323084.2); c.415-4688del (NM_001323083.2); short protein forms R171fs, R173fs, R71fs, R73fs.
Identifiers: ClinVar variation 5016188 (VCV005016188.1).
Genomic context (GRCh38, chr10:13,288,526, plus strand): 5'-CAAACGATGAGATCGCTGGGCCTGAAGGGGAAATAGTGCAGGTCCTGGTGCAGGGGGTGA[CG>C]GGACGTCTTCTTGCCTGAAAAGAAAACCTGCTACTAAAGGATACTCGAGGCCGAGTGCAG-3'

ClinVar aggregate classification (germline): Pathogenic (1 of 4 stars; one submission).

Conditions:
Refsum disease, classic. Also called: HEREDOPATHIA ATACTICA POLYNEURITIFORMIS; HMSN IV; PHYTANIC ACID OXIDASE DEFICIENCY; PHYH-Related Refsum Disease. Identifiers: Orphanet 773, MedGen C5780941, MONDO:1060256, OMIM 266500. Disease mechanism: loss of function.

Submission:

Myriad Genetics, Inc.
Classification: Pathogenic for Refsum disease, classic. Last evaluated: 2026-08-01. Review status: criteria provided, single submitter. Criteria: Myriad Autosomal Dominant, Autosomal Recessive and X-Linked Classification Criteria (2023). Collection method: clinical testing. Allele origin: unknown.
Comment: NM_006214.3(PHYH):c.511delC(R171Vfs*47) is expected to be pathogenic in the context of Refsum disease, PHYH-related. This variant is predicted to lead to an abnormal or absent protein product due to the creation of a premature termination codon in PHYH, a gene where loss-of-function variants are known to be pathogenic. Please note: this variant was assessed in the context of healthy population screening.